The following is an entry in ClinVar:

NM_004612.4(TGFBR1):c.816T>C (p.Thr272=)

Gene: TGFBR1 (transforming growth factor beta receptor 1; plus strand). Cytogenetic location: 9q22.33.
Variant type: single nucleotide variant.
Coding change: c.816T>C on transcript NM_004612.4 (MANE Select); coding-DNA position 816, T replaced by C.
Protein change: p.Thr272=; no amino-acid change (threonine 272 retained).
Molecular consequence: synonymous variant.
Genome position (GRCh38, 1-based): chr9:99,142,546, T>C. VCF-style: chr9-99142546-T-C. GRCh37 (hg19) VCF-style: chr9-101904828-T-C.
Other names: c.585T>C, p.Thr195= (NM_001130916.3); c.828T>C, p.Thr276= (NM_001306210.2).
Identifiers: ClinVar variation 1156881 (VCV001156881.37), dbSNP rs1827646085, ClinGen allele CA466434402.
Genomic context (GRCh38, chr9:99,142,546, plus strand): 5'-AAATCATAAATGGTCTGCAGCCCAACCGAAATGTTAATTCTGTTTTACAGACAATGGTAC[T>C]TGGACTCAGCTCTGGTTGGTGTCAGATTATCATGAGCATGGATCCCTTTTTGATTACTTA-3'
Protein context (NP_004603.1, residues 262-282): FIAADNKDNG[Thr272=]WTQLWLVSDY

ClinVar aggregate classification (germline): Likely benign. Review status: criteria provided, multiple submitters, no conflicts (2 of 4 stars). 2 submissions from 2 submitters: Likely benign (2). Last evaluated 2023-02-01.

Conditions:
Familial thoracic aortic aneurysm and aortic dissection (TAAD). Also called: Thoracic aortic aneurysms and dissections. Identifiers: Orphanet 91387, MedGen C4707243, MONDO:0019625.

Allele frequency attached by ClinVar (database versions not stated): gnomAD 0.00001.
gnomAD v4.1: 1 of 1,613,958 alleles (0.000062%); highest among the groups gnomAD compares: African/African-American, 0.0013%; no homozygotes.

Submissions (2):

CeGaT Center for Human Genetics Tuebingen
Classification: Likely benign. Last evaluated: 2023-02-01. Review status: criteria provided, single submitter. Criteria: CeGaT Center For Human Genetics Tuebingen Variant Classification Criteria Version 2. Collection method: clinical testing. Allele origin: germline. Affected: yes. Observed: 1 variant allele.
Comment: TGFBR1: BP4, BP7

Labcorp Genetics (formerly Invitae), Labcorp
Classification: Likely benign for Familial thoracic aortic aneurysm and aortic dissection. Last evaluated: 2019-12-13. Review status: criteria provided, single submitter. Criteria: Invitae Variant Classification Sherloc (09022015). Collection method: clinical testing. Allele origin: germline.